The following is an entry in ClinVar:

ClinVar aggregate classification (germline): Pathogenic/Likely pathogenic. Review status: criteria provided, multiple submitters, no conflicts (2 of 4 stars). 2 submissions from 2 submitters: Pathogenic (1); Likely pathogenic (1). Last evaluated 2019-05-28.

Conditions:
Autosomal recessive distal spinal muscular atrophy 1. Also called: NEURONOPATHY, DISTAL HEREDITARY MOTOR, HARDING TYPE VI; NEUROPATHY, DISTAL HEREDITARY MOTOR, AUTOSOMAL RECESSIVE 1; Spinal muscular atrophy with respiratory distress 1; HMN VI; NEURONOPATHY, SEVERE INFANTILE AXONAL, WITH RESPIRATORY FAILURE; SEVERE INFANTILE AXONAL NEUROPATHY WITH RESPIRATORY FAILURE. Identifiers: Orphanet 98920, MedGen C1858517, MONDO:0011436, OMIM 604320.
Charcot-Marie-Tooth disease axonal type 2S. Also called: CHARCOT-MARIE-TOOTH NEUROPATHY, TYPE 2S; CHARCOT-MARIE-TOOTH DISEASE, AXONAL, AUTOSOMAL RECESSIVE, TYPE 2S. Identifiers: Orphanet 443073, MedGen C4015349, MONDO:0014511, OMIM 616155.

Submissions (2):

Mendelics
Classification: Likely pathogenic for Autosomal recessive distal spinal muscular atrophy 1. Last evaluated: 2019-05-28. Review status: criteria provided, single submitter. Criteria: Mendelics Assertion Criteria 2017. Collection method: clinical testing. Allele origin: unknown.

Labcorp Genetics (formerly Invitae), Labcorp
Classification: Pathogenic for Autosomal recessive distal spinal muscular atrophy 1; Charcot-Marie-Tooth disease axonal type 2S. Last evaluated: 2018-02-23. Review status: criteria provided, single submitter. Criteria: Invitae Variant Classification Sherloc (09022015). Collection method: clinical testing. Allele origin: germline.
Comment: This sequence change creates a premature translational stop signal (p.Thr439Aspfs*62) in the IGHMBP2 gene. It is expected to result in an absent or disrupted protein product. This variant is not present in population databases (ExAC no frequency). For these reasons, this variant has been classified as Pathogenic. Loss-of-function variants in IGHMBP2 are known to be pathogenic (PMID: 14681881, 25439726, 25568292). This variant has not been reported in the literature in individuals with IGHMBP2-related disease.

Literature cited by the submitters: PubMed 14681881 (cited by Labcorp Genetics (formerly Invitae), Labcorp); PubMed 25439726 (cited by Labcorp Genetics (formerly Invitae), Labcorp); PubMed 25568292 (cited by Labcorp Genetics (formerly Invitae), Labcorp).

NM_002180.3(IGHMBP2):c.1313dup (p.Thr439fs)

Gene: IGHMBP2 (immunoglobulin mu DNA binding protein 2; plus strand). Cytogenetic location: 11q13.3.
Variant type: Duplication.
Coding change: c.1313dup on transcript NM_002180.3 (MANE Select); coding-DNA position 1313, one base duplicated (T; older notation c.1313dupT).
Protein change: p.Thr439fs; shifts the reading frame from threonine 439.
Molecular consequence: frameshift variant.
Genome position (GRCh38, 1-based): chr11:68,933,376, T duplicated. VCF-style (leftmost placement, unchanged base first): chr11-68933375-C-CT. GRCh37 (hg19) VCF-style: chr11-68700843-C-CT.
Other names: c.1313dupT (NM_002180.2); short protein forms T439fs.
Identifiers: ClinVar variation 582766 (VCV000582766.11), dbSNP rs1566443170, ClinGen allele CA891842509.
Genomic context (GRCh38, chr11:68,933,375, plus strand): 5'-CTGTCACTCAGCCTGATGGAACGCCTGGCTGAGGAGTACGGCGCGAGGGTGGTGCGGACA[C>CT]TGACGGTGCAGTACCGCATGCACCAGGCTATCATGCGCTGGGCCTCAGACACCATGTACC-3'